The following is an entry in ClinVar:

NM_006231.4(POLE):c.51C>T (p.Gly17=)

Genes: POLE (DNA polymerase epsilon, catalytic subunit; minus strand), LOC130009266 (ATAC-STARR-seq lymphoblastoid silent region 5123; plus strand). Cytogenetic location: 12q24.33.
Variant type: single nucleotide variant.
Coding change: c.51C>T on transcript NM_006231.4 (MANE Select); coding-DNA position 51, C replaced by T.
Protein change: p.Gly17=; no amino-acid change (glycine 17 retained).
Molecular consequence: synonymous variant.
Genome position (GRCh38, 1-based): chr12:132,687,265, G>A on the plus strand (C>T on the coding strand, the complement: POLE is on the minus strand). VCF-style: chr12-132687265-G-A. GRCh37 (hg19) VCF-style: chr12-133263851-G-A.
Other names: c.51C>T (NM_006231.2).
Identifiers: ClinVar variation 3659506 (VCV003659506.3).
Genomic context (GRCh38, chr12:132,687,265, plus strand): 5'-GGCACCCTCCGGAGGGCCGGCCCGAGAGCCTCAGGAGGGCGCCCCTCACCTGCTGGCCTC[G>A]CCATCCGCGCCTGGGTCCGCGCGCCGCCGCCCGCCGCTCCTCAGAGACATGGAGCCGTTG-3'
Protein context (NP_006222.2, residues 7-27): GRRRADPGAD[Gly17=]EASRDDGATS

ClinVar aggregate classification (germline): Conflicting classifications of pathogenicity. Review status: criteria provided, conflicting classifications (1 of 4 stars). 2 submissions from 2 submitters: Uncertain significance (1); Likely benign (1). Last evaluated 2026-08-27.

Conditions:
Hereditary cancer-predisposing syndrome. Also called: Tumor predisposition; Hereditary neoplastic syndrome; Hereditary Cancer Syndrome; Neoplastic Syndromes, Hereditary. Identifiers: Orphanet 140162, MedGen C0027672, MeSH D009386, MONDO:0015356.

gnomAD v4.1: 2 of 1,497,250 alleles (0.00013%); highest among the groups gnomAD compares: Non-Finnish European, 0.000089%; no homozygotes.

Submissions (2):

Ambry Genetics
Classification: Uncertain significance for Hereditary cancer-predisposing syndrome. Last evaluated: 2026-08-27. Review status: criteria provided, single submitter. Criteria: Ambry Variant Classification Scheme 2023. Collection method: clinical testing. Allele origin: germline.
Comment: The c.51C>T variant (also known as p.G17G), located in coding exon 1 of the POLE gene, results from a C to T substitution at nucleotide position 51. This nucleotide substitution does not change the amino acid at codon 17. This nucleotide position is highly conserved in available vertebrate species. In silico splice site analysis predicts that this alteration may result in the creation or strengthening of a novel splice donor site. Based on the available evidence, the clinical significance of this variant remains unclear.

Labcorp Genetics (formerly Invitae), Labcorp
Classification: Likely benign. Last evaluated: 2025-10-13. Review status: criteria provided, single submitter. Criteria: Invitae Variant Classification Sherloc (09022015). Collection method: clinical testing. Allele origin: germline.